The following is an entry in ClinVar:

NM_032977.4(CASP10):c.590T>C (p.Val197Ala)

Gene: CASP10 (caspase 10; plus strand). Cytogenetic location: 2q33.1.
Variant type: single nucleotide variant.
Coding change: c.590T>C on transcript NM_032977.4 (MANE Select); coding-DNA position 590, T replaced by C.
Protein change: p.Val197Ala; replaces valine 197 with alanine.
Molecular consequence: missense variant.
Genome position (GRCh38, 1-based): chr2:201,195,854, T>C. VCF-style: chr2-201195854-T-C. GRCh37 (hg19) VCF-style: chr2-202060577-T-C.
Other names: c.590T>C, p.Val197Ala (NM_001206524.2, NM_001206542.2, NM_001230.5 and 3 more transcripts); short protein forms V197A.
Identifiers: ClinVar variation 2416260 (VCV002416260.6), dbSNP rs1171794635, ClinGen allele CA350279458.

ClinVar aggregate classification (germline): Uncertain significance (1 of 4 stars; one submission).

Conditions:
Autoimmune lymphoproliferative syndrome type 2A (ALPS2A). Also called: Autoimmune lymphoproliferative syndrome type 2; CASP10-Related Autoimmune Lymphoproliferative Syndrome; AUTOIMMUNE LYMPHOPROLIFERATIVE SYNDROME, TYPE IIA. Identifiers: Orphanet 3261, MedGen C1858968, MONDO:0011383, OMIM 603909.

Allele frequency attached by ClinVar (database versions not stated): gnomAD exomes below 0.00001; gnomAD 0.00001; TOPMed 0.00002.

Submission:

Labcorp Genetics (formerly Invitae), Labcorp
Classification: Uncertain significance for Autoimmune lymphoproliferative syndrome type 2A. Last evaluated: 2025-06-20. Review status: criteria provided, single submitter. Criteria: Invitae Variant Classification Sherloc (09022015). Collection method: clinical testing. Allele origin: germline.
Comment: This sequence change replaces valine, which is neutral and non-polar, with alanine, which is neutral and non-polar, at codon 197 of the CASP10 protein (p.Val197Ala). This variant is present in population databases (no rsID available, gnomAD 0.02%). This variant has not been reported in the literature in individuals affected with CASP10-related conditions. ClinVar contains an entry for this variant (Variation ID: 2416260). Invitae Evidence Modeling of protein sequence and biophysical properties (such as structural, functional, and spatial information, amino acid conservation, physicochemical variation, residue mobility, and thermodynamic stability) indicates that this missense variant is not expected to disrupt CASP10 protein function with a negative predictive value of 80%. In summary, the available evidence is currently insufficient to determine the role of this variant in disease. Therefore, it has been classified as a Variant of Uncertain Significance.